The following is an entry in ClinVar:

NM_000038.6(APC):c.2498G>T (p.Ser833Ile)

Gene: APC (APC regulator of Wnt signaling pathway; plus strand). Cytogenetic location: 5q22.2.
Variant type: single nucleotide variant.
Coding change: c.2498G>T on transcript NM_000038.6 (MANE Select); coding-DNA position 2498, G replaced by T.
Protein change: p.Ser833Ile; replaces serine 833 with isoleucine.
Molecular consequence: missense variant. On other transcripts: non-coding transcript variant (2).
Genome position (GRCh38, 1-based): chr5:112,838,092, G>T. VCF-style: chr5-112838092-G-T. GRCh37 (hg19) VCF-style: chr5-112173789-G-T.
Other names: c.1649G>T, p.Ser550Ile (NM_001354906.2, NM_001407470.1); c.2582G>T, p.Ser861Ile (NM_001407446.1); c.2552G>T, p.Ser851Ile (NM_001407447.1, NM_001407448.1, NM_001407449.1 and 1 more transcripts); c.2498G>T, p.Ser833Ile (NM_001407450.1, NM_001127510.3, NM_001354895.2); c.2477G>T, p.Ser826Ile (NM_001407451.1); c.2468G>T, p.Ser823Ile (NM_001407452.1); c.2321G>T, p.Ser774Ile (NM_001407453.1, NM_001354901.2); c.1346G>T, p.Ser449Ile (NM_001407471.1, NM_001407472.1); and 11 more; short protein forms S449I, S550I, S673I, S704I, S707I, S732I, S742I, S750I.
Identifiers: ClinVar variation 4861789 (VCV004861789.1).

ClinVar aggregate classification (germline): Uncertain significance (1 of 4 stars; one submission).

Conditions:
Hereditary cancer-predisposing syndrome. Also called: Neoplastic Syndromes, Hereditary; Tumor predisposition; Hereditary Cancer Syndrome; Hereditary neoplastic syndrome. Identifiers: Orphanet 140162, MedGen C0027672, MeSH D009386, MONDO:0015356.

Submission:

Ambry Genetics
Classification: Uncertain significance for Hereditary cancer-predisposing syndrome. Last evaluated: 2026-05-22. Review status: criteria provided, single submitter. Criteria: Ambry Variant Classification Scheme 2023. Collection method: clinical testing. Allele origin: germline.
Comment: The p.S833I variant (also known as c.2498G>T), located in coding exon 15 of the APC gene, results from a G to T substitution at nucleotide position 2498. The serine at codon 833 is replaced by isoleucine, an amino acid with dissimilar properties. This amino acid position is conserved. In addition, in silico predictors for this gene do not accurately predict pathogenicity. Based on the available evidence, the clinical significance of this variant remains unclear.